The following is an entry in ClinVar:

ClinVar aggregate classification (germline): Uncertain significance (1 of 4 stars; one submission).

Conditions:
Neurodevelopmental disorder with hypotonia, stereotypic hand movements, and impaired language. Also called: Intellectual disability, autosomal dominant 20. Identifiers: Orphanet 228384, Orphanet 664410, MedGen C3150700, MONDO:0013266, OMIM 613443.

Allele frequency attached by ClinVar (database versions not stated): gnomAD 0.00001; TOPMed 0.00001.
gnomAD v4.1: 5 of 1,613,214 alleles (0.00031%); highest among the groups gnomAD compares: Non-Finnish European, 0.00042%; no homozygotes.

Submission:

Labcorp Genetics (formerly Invitae), Labcorp
Classification: Uncertain significance for Neurodevelopmental disorder with hypotonia, stereotypic hand movements, and impaired language. Last evaluated: 2026-01-27. Review status: criteria provided, single submitter. Criteria: Invitae Variant Classification Sherloc (09022015). Collection method: clinical testing. Allele origin: germline.
Comment: This sequence change replaces valine, which is neutral and non-polar, with leucine, which is neutral and non-polar, at codon 257 of the MEF2C protein (p.Val257Leu). This variant is not present in population databases (gnomAD no frequency). This variant has not been reported in the literature in individuals affected with MEF2C-related conditions. ClinVar contains an entry for this variant (Variation ID: 2152523). Invitae Evidence Modeling of protein sequence and biophysical properties (such as structural, functional, and spatial information, amino acid conservation, physicochemical variation, residue mobility, and thermodynamic stability) indicates that this missense variant is not expected to disrupt MEF2C protein function with a negative predictive value of 95%. In summary, the available evidence is currently insufficient to determine the role of this variant in disease. Therefore, it has been classified as a Variant of Uncertain Significance.

NM_002397.5(MEF2C):c.769G>C (p.Val257Leu)

Gene: MEF2C (myocyte enhancer factor 2C; minus strand). Cytogenetic location: 5q14.3.
Variant type: single nucleotide variant.
Coding change: c.769G>C on transcript NM_002397.5 (MANE Select); coding-DNA position 769, G replaced by C.
Protein change: p.Val257Leu; replaces valine 257 with leucine.
Molecular consequence: missense variant.
Genome position (GRCh38, 1-based): chr5:88,731,770, C>G on the plus strand (G>C on the coding strand, the complement: MEF2C is on the minus strand). VCF-style: chr5-88731770-C-G. GRCh37 (hg19) VCF-style: chr5-88027587-C-G.
Other names: c.763G>C, p.Val255Leu (NM_001131005.2, NM_001364343.2, NM_001364352.2); c.823G>C, p.Val275Leu (NM_001193347.1, NM_001364338.2); c.625G>C, p.Val209Leu (NM_001193348.1, NM_001193349.3, NM_001364332.2 and 3 more transcripts); c.769G>C, p.Val257Leu (NM_001193350.2, NM_001308002.3, NM_001363581.2 and 18 more transcripts); c.391G>C, p.Val131Leu (NM_001364353.2, NM_001364356.2); c.343G>C, p.Val115Leu (NM_001364357.2); short protein forms V255L, V115L, V209L, V275L, V131L, V257L.
Identifiers: ClinVar variation 2152523 (VCV002152523.4), dbSNP rs1399640142, ClinGen allele CA360423237.